The following is an entry in ClinVar:

NM_007294.4(BRCA1):c.4529T>A (p.Met1510Lys)

Gene: BRCA1 (BRCA1 DNA repair associated; minus strand). Cytogenetic location: 17q21.31.
Variant type: single nucleotide variant.
Coding change: c.4529T>A on transcript NM_007294.4 (MANE Select); coding-DNA position 4529, T replaced by A.
Protein change: p.Met1510Lys; replaces methionine 1510 with lysine.
Molecular consequence: missense variant. On other transcripts: intron variant (3).
Genome position (GRCh38, 1-based): chr17:43,074,477, A>T on the plus strand (T>A on the coding strand, the complement: BRCA1 is on the minus strand). VCF-style: chr17-43074477-A-T. GRCh37 (hg19) VCF-style: chr17-41226494-A-T.
Other names: c.950T>A, p.Met317Lys (NM_001408505.1); c.893T>A, p.Met298Lys (NM_001408506.1); c.890T>A, p.Met297Lys (NM_001408507.1); c.881T>A, p.Met294Lys (NM_001408508.1); c.878T>A, p.Met293Lys (NM_001408509.1); c.839T>A, p.Met280Lys (NM_001408510.1); c.836T>A, p.Met279Lys (NM_001408511.1); c.4145T>A, p.Met1382Lys (NM_001407960.1, NM_001407962.1); and 71 more; short protein forms M1213K, M1214K, M1341K, M1381K, M1382K, M1383K, M1397K, M1398K.
Identifiers: ClinVar variation 3768868 (VCV003768868.1).

ClinVar aggregate classification (germline): Uncertain significance (1 of 4 stars; one submission).

Submission:

Women's Health and Genetics/Laboratory Corporation of America, LabCorp
Classification: Uncertain significance. Last evaluated: 2025-02-24. Review status: criteria provided, single submitter. Criteria: LabCorp Variant Classification Summary - May 2015. Collection method: clinical testing. Allele origin: germline.
Comment: Variant summary: BRCA1 c.4529T>A (p.Met1510Lys) results in a non-conservative amino acid change in the encoded protein sequence. Three of four in-silico tools predict a benign effect of the variant on protein function. The variant was absent in 251372 control chromosomes. The available data on variant occurrences in the general population are insufficient to allow any conclusion about variant significance. To our knowledge, no occurrence of c.4529T>A in individuals affected with Hereditary Breast And Ovarian Cancer Syndrome and no experimental evidence demonstrating its impact on protein function have been reported. No submitters have cited clinical-significance assessments for this variant to ClinVar. Based on the evidence outlined above, the variant was classified as uncertain significance.